The following is an entry in ClinVar:

ClinVar aggregate classification (germline): Uncertain significance (1 of 4 stars; one submission).

Conditions:
Familial adenomatous polyposis 1 (FAP1). Also called: FAMILIAL ADENOMATOUS POLYPOSIS 1, ATTENUATED; POLYPOSIS, ADENOMATOUS INTESTINAL. Identifiers: MedGen C2713442, MONDO:0021056, OMIM 175100. Disease mechanism: loss of function.

Submission:

Labcorp Genetics (formerly Invitae), Labcorp
Classification: Uncertain significance for Familial adenomatous polyposis 1. Last evaluated: 2021-05-27. Review status: criteria provided, single submitter. Criteria: Invitae Variant Classification Sherloc (09022015). Collection method: clinical testing. Allele origin: germline.
Comment: This sequence change replaces aspartic acid with valine at codon 256 of the APC protein (p.Asp256Val). The aspartic acid residue is weakly conserved and there is a large physicochemical difference between aspartic acid and valine. In summary, the available evidence is currently insufficient to determine the role of this variant in disease. Therefore, it has been classified as a Variant of Uncertain Significance. Algorithms developed to predict the effect of missense changes on protein structure and function are either unavailable or do not agree on the potential impact of this missense change (SIFT: "Deleterious"; PolyPhen-2: "Benign"; Align-GVGD: "Class C25"). This variant has not been reported in the literature in individuals with APC-related conditions. This variant is not present in population databases (ExAC no frequency).

NM_000038.6(APC):c.767A>T (p.Asp256Val)

Gene: APC (APC regulator of Wnt signaling pathway; plus strand). Cytogenetic location: 5q22.2.
Variant type: single nucleotide variant.
Coding change: c.767A>T on transcript NM_000038.6 (MANE Select); coding-DNA position 767, A replaced by T.
Protein change: p.Asp256Val; replaces aspartic acid 256 with valine.
Molecular consequence: missense variant. On other transcripts: 5 prime UTR variant (1).
Genome position (GRCh38, 1-based): chr5:112,801,316, A>T. VCF-style: chr5-112801316-A-T. GRCh37 (hg19) VCF-style: chr5-112137013-A-T.
Other names: c.767A>T, p.Asp256Val (NM_001127510.3, NM_001354895.2, NM_001354896.2 and 1 more transcripts); c.713A>T, p.Asp238Val (NM_001127511.3); c.797A>T, p.Asp266Val (NM_001354897.2, NM_001354902.2); c.692A>T, p.Asp231Val (NM_001354898.2, NM_001354904.2); c.683A>T, p.Asp228Val (NM_001354899.2); c.590A>T, p.Asp197Val (NM_001354900.2, NM_001354901.2, NM_001354905.2); c.-269A>T (NM_001354906.2); short protein forms D238V, D266V, D197V, D256V, D228V, D231V.
Identifiers: ClinVar variation 1480349 (VCV001480349.8), dbSNP rs1189229292, ClinGen allele CA16023010.